The following is an entry in ClinVar:

NM_001113491.2(SEPTIN9):c.601G>A (p.Ala201Thr)

Gene: SEPTIN9 (septin 9; plus strand). Cytogenetic location: 17q25.3.
Variant type: single nucleotide variant.
Coding change: c.601G>A on transcript NM_001113491.2 (MANE Select); coding-DNA position 601, G replaced by A.
Protein change: p.Ala201Thr; replaces alanine 201 with threonine.
Molecular consequence: missense variant.
Genome position (GRCh38, 1-based): chr17:77,402,583, G>A. VCF-style: chr17-77402583-G-A. GRCh37 (hg19) VCF-style: chr17-75398665-G-A.
Other names: c.109G>A, p.Ala37Thr (NM_001113492.2, NM_001113494.1); c.580G>A, p.Ala194Thr (NM_001113493.2); c.544G>A, p.Ala182Thr (NM_001293695.2); c.547G>A, p.Ala183Thr (NM_006640.5); c.547G>A (NM_006640.4); short protein forms A182T, A183T, A194T, A201T, A37T.
Identifiers: ClinVar variation 2445480 (VCV002445480.5), dbSNP rs201705602, ClinGen allele CA8793250.

ClinVar aggregate classification (germline): Uncertain significance. Review status: criteria provided, multiple submitters, no conflicts (2 of 4 stars). 2 submissions from 2 submitters: Uncertain significance (2). Last evaluated 2025-07-13.

Conditions:
Inborn genetic diseases. Identifiers: MedGen C0950123, MeSH D030342.

Allele frequency attached by ClinVar (database versions not stated): gnomAD exomes 0.00002; ExAC 0.00004; gnomAD 0.00005; TOPMed 0.00007; ESP Exome Variant Server 0.00016.
gnomAD v4.1: 32 of 1,611,624 alleles (0.002%); highest among the groups gnomAD compares: Middle Eastern, 0.082%; no homozygotes.

Submissions (2):

Labcorp Genetics (formerly Invitae), Labcorp
Classification: Uncertain significance. Last evaluated: 2025-07-13. Review status: criteria provided, single submitter. Criteria: Invitae Variant Classification Sherloc (09022015). Collection method: clinical testing. Allele origin: germline.
Comment: This sequence change replaces alanine, which is neutral and non-polar, with threonine, which is neutral and polar, at codon 183 of the SEPT9 protein (p.Ala183Thr). This variant is present in population databases (rs201705602, gnomAD 0.02%). This variant has not been reported in the literature in individuals affected with SEPT9-related conditions. ClinVar contains an entry for this variant (Variation ID: 2445480). Invitae Evidence Modeling of protein sequence and biophysical properties (such as structural, functional, and spatial information, amino acid conservation, physicochemical variation, residue mobility, and thermodynamic stability) indicates that this missense variant is not expected to disrupt SEPT9 protein function with a negative predictive value of 80%. In summary, the available evidence is currently insufficient to determine the role of this variant in disease. Therefore, it has been classified as a Variant of Uncertain Significance.

Ambry Genetics
Classification: Uncertain significance for Inborn genetic diseases. Last evaluated: 2024-04-15. Review status: criteria provided, single submitter. Criteria: Ambry Variant Classification Scheme 2023. Collection method: clinical testing. Allele origin: germline.